The following is an entry in ClinVar:

ClinVar aggregate classification (germline): Uncertain significance. Review status: criteria provided, multiple submitters, no conflicts (2 of 4 stars). 5 submissions from 5 submitters: Uncertain significance (5). Last evaluated 2026-04-24.

Conditions:
DST-related disorder. Also called: DST-related disorders; DST-related condition.
Inborn genetic diseases. Identifiers: MedGen C0950123, MeSH D030342.
Hereditary sensory and autonomic neuropathy type 6. Also called: Neuropathy, hereditary sensory and autonomic, type VI; HSAN VI. Identifiers: Orphanet 314381, MedGen C3539003, MONDO:0013839, OMIM 614653.
Epidermolysis bullosa simplex 3, localized or generalized intermediate, with BP230 deficiency (EBS3). Also called: Epidermolysis bullosa simplex, autosomal recessive 2; Epidermolysis bullosa simplex due to BP230 deficiency. Identifiers: Orphanet 412181, MedGen C3809470, MONDO:0014180, OMIM 615425.

Allele frequency attached by ClinVar (database versions not stated): gnomAD 0.00004; gnomAD exomes 0.00005 and 0.00012; ExAC 0.00007; TOPMed 0.00008.
gnomAD v4.1: 182 of 1,613,686 alleles (0.011%); highest among the groups gnomAD compares: Non-Finnish European, 0.015%; no homozygotes.

Submissions (5):

PreventionGenetics, part of Exact Sciences
Classification: Uncertain significance for DST-related condition. Last evaluated: 2026-04-24. Review status: criteria provided, single submitter. Criteria: ACMG Guidelines, 2015. Collection method: clinical testing. Allele origin: germline.
Comment: The DST c.6076G>A variant is predicted to result in the amino acid substitution p.Glu2026Lys. Of note, this variant can also be referred to as c.*21561G>A (post-coding) with the epithelial isoform, NM_001723. To our knowledge, this variant has not been reported in the literature. This variant is reported in 0.012% of alleles in individuals of European (non-Finnish) descent in gnomAD. At this time, the clinical significance of this variant is uncertain due to the absence of conclusive functional and genetic evidence.

Labcorp Genetics (formerly Invitae), Labcorp
Classification: Uncertain significance for Epidermolysis bullosa simplex 3, localized or generalized intermediate, with BP230 deficiency; Hereditary sensory and autonomic neuropathy type 6. Last evaluated: 2026-01-19. Review status: criteria provided, single submitter. Criteria: Invitae Variant Classification Sherloc (09022015). Collection method: clinical testing. Allele origin: germline.
Comment: The DST gene has multiple clinically relevant transcripts. This variant occurs in alternate transcript NM_015548.4, and corresponds to NM_001723.5:c.*21561G>A in the primary transcript. This sequence change replaces glutamic acid, which is acidic and polar, with lysine, which is basic and polar, at codon 1522 of the DST protein (p.Glu1522Lys). This variant is present in population databases (rs752961020, gnomAD 0.01%). This variant has not been reported in the literature in individuals affected with DST-related conditions. ClinVar contains an entry for this variant (Variation ID: 969867). Experimental studies and prediction algorithms are not available or were not evaluated, and the functional significance of this variant is currently unknown. In summary, the available evidence is currently insufficient to determine the role of this variant in disease. Therefore, it has been classified as a Variant of Uncertain Significance.

CeGaT Center for Human Genetics Tuebingen
Classification: Uncertain significance. Last evaluated: 2025-07-01. Review status: criteria provided, single submitter. Criteria: CeGaT Center For Human Genetics Tuebingen Variant Classification Criteria Version 2. Collection method: clinical testing. Allele origin: germline. Affected: yes. Observed: 1 variant allele.
Comment: DST: PM2

Ambry Genetics
Classification: Uncertain significance for Inborn genetic diseases. Last evaluated: 2023-09-28. Review status: criteria provided, single submitter. Criteria: Ambry Variant Classification Scheme 2023. Collection method: clinical testing. Allele origin: germline.

Breakthrough Genomics
Classification: Uncertain significance. Review status: criteria provided, single submitter. Criteria: ACMG Guidelines, 2015. Collection method: not provided. Allele origin: germline. Inheritance: Autosomal recessive inheritance. Affected: yes.

NM_001374736.1(DST):c.12433G>A (p.Glu4145Lys)

Genes: DST (dystonin; minus strand), LOC129996656 (ATAC-STARR-seq lymphoblastoid active region 24702; plus strand). Cytogenetic location: 6p12.1.
Variant type: single nucleotide variant.
Coding change: c.12433G>A on transcript NM_001374736.1 (MANE Select); coding-DNA position 12433, G replaced by A.
Protein change: p.Glu4145Lys; replaces glutamic acid 4145 with lysine.
Molecular consequence: missense variant.
Genome position (GRCh38, 1-based): chr6:56,593,956, C>T on the plus strand (G>A on the coding strand, the complement: DST is on the minus strand). VCF-style: chr6-56593956-C-T. GRCh37 (hg19) VCF-style: chr6-56458754-C-T.
Other names: c.6076G>A, p.Glu2026Lys (NM_001144769.5); c.5662G>A, p.Glu1888Lys (NM_001144770.2); c.12433G>A, p.Glu4145Lys (NM_001374722.1); c.11800G>A, p.Glu3934Lys (NM_001374729.1); c.5542G>A, p.Glu1848Lys (NM_001374730.1, NM_183380.4); c.12460G>A, p.Glu4154Lys (NM_001374734.1); c.4564G>A, p.Glu1522Lys (NM_015548.5); short protein forms E4154K, E1522K, E1848K, E1888K, E2026K, E3934K, E4145K.
Identifiers: ClinVar variation 969867 (VCV000969867.19), dbSNP rs752961020, ClinGen allele CA3868451.